The following is an entry in ClinVar:

ClinVar aggregate classification (germline): Uncertain significance (1 of 4 stars; one submission).

Conditions:
Brugada syndrome. Also called: Sudden unexpected nocturnal death syndrome; Sudden unexplained nocturnal death syndrome; Sudden Unexplained Death Syndrome; Sudden Unexplained Nocturnal Death Syndrome (SUNDS). Identifiers: Orphanet 130, MedGen C1142166, MONDO:0015263.

gnomAD v4.1: 1 of 1,614,152 alleles (0.000062%); highest among the groups gnomAD compares: East Asian, 0.0022%; no homozygotes.

Submission:

Labcorp Genetics (formerly Invitae), Labcorp
Classification: Uncertain significance for Brugada syndrome. Last evaluated: 2025-09-02. Review status: criteria provided, single submitter. Criteria: Invitae Variant Classification Sherloc (09022015). Collection method: clinical testing. Allele origin: germline.
Comment: This sequence change replaces proline, which is neutral and non-polar, with serine, which is neutral and polar, at codon 1735 of the SCN10A protein (p.Pro1735Ser). This variant is not present in population databases (gnomAD no frequency). This variant has not been reported in the literature in individuals affected with SCN10A-related conditions. ClinVar contains an entry for this variant (Variation ID: 1450517). Invitae Evidence Modeling of protein sequence and biophysical properties (such as structural, functional, and spatial information, amino acid conservation, physicochemical variation, residue mobility, and thermodynamic stability) indicates that this missense variant is not expected to disrupt SCN10A protein function with a negative predictive value of 80%. In summary, the available evidence is currently insufficient to determine the role of this variant in disease. Therefore, it has been classified as a Variant of Uncertain Significance.

NM_006514.4(SCN10A):c.5203C>T (p.Pro1735Ser)

Gene: SCN10A (sodium voltage-gated channel alpha subunit 10; minus strand). Cytogenetic location: 3p22.2.
Variant type: single nucleotide variant.
Coding change: c.5203C>T on transcript NM_006514.4 (MANE Select); coding-DNA position 5203, C replaced by T.
Protein change: p.Pro1735Ser; replaces proline 1735 with serine.
Molecular consequence: missense variant.
Genome position (GRCh38, 1-based): chr3:38,698,017, G>A on the plus strand (C>T on the coding strand, the complement: SCN10A is on the minus strand). VCF-style: chr3-38698017-G-A. GRCh37 (hg19) VCF-style: chr3-38739508-G-A.
Other names: c.5200C>T, p.Pro1734Ser (NM_001293306.2); c.4909C>T, p.Pro1637Ser (NM_001293307.2); short protein forms P1734S, P1637S, P1735S.
Identifiers: ClinVar variation 1450517 (VCV001450517.6), dbSNP rs1325931730, ClinGen allele CA352154283.
Genomic context (GRCh38, chr3:38,698,017, plus strand): 5'-CCTCTGGGTCAAACTTCTCCCAGGTCTCATAGAACATGTCAAAGTCGTCCTCACTCAGGG[G>A]CTCAGTGCTCTCCTCCGTGGCCACATTGAAGTTCTCCAGAATCACTGCAATGTACATGTT-3'
Protein context (NP_006505.4, residues 1725-1745): FNVATEESTE[Pro1735Ser]LSEDDFDMFY